The following is an entry in ClinVar:

ClinVar aggregate classification (germline): Uncertain significance (1 of 4 stars; one submission).

Conditions:
Dilated cardiomyopathy 1KK (CMD1KK). Identifiers: Orphanet 154, Orphanet 75249, MedGen C3714995, MONDO:0014100, OMIM 615248.

Submission:

Labcorp Genetics (formerly Invitae), Labcorp
Classification: Uncertain significance for Dilated cardiomyopathy 1KK. Last evaluated: 2021-03-28. Review status: criteria provided, single submitter. Criteria: Invitae Variant Classification Sherloc (09022015). Collection method: clinical testing. Allele origin: germline.
Comment: In summary, the available evidence is currently insufficient to determine the role of this variant in disease. Therefore, it has been classified as a Variant of Uncertain Significance. This sequence change replaces tyrosine with histidine at codon 140 of the MYPN protein (p.Tyr140His). The tyrosine residue is moderately conserved and there is a moderate physicochemical difference between tyrosine and histidine. This variant is not present in population databases (ExAC no frequency). This variant has not been reported in the literature in individuals with MYPN-related conditions. Algorithms developed to predict the effect of missense changes on protein structure and function are either unavailable or do not agree on the potential impact of this missense change (SIFT: "Tolerated"; PolyPhen-2: "Possibly Damaging"; Align-GVGD: "Class C0").

NM_032578.4(MYPN):c.418T>C (p.Tyr140His)

Gene: MYPN (myopalladin; plus strand). Cytogenetic location: 10q21.3.
Variant type: single nucleotide variant.
Coding change: c.418T>C on transcript NM_032578.4 (MANE Select); coding-DNA position 418, T replaced by C.
Protein change: p.Tyr140His; replaces tyrosine 140 with histidine.
Molecular consequence: missense variant. On other transcripts: 5 prime UTR variant (1), non-coding transcript variant (1).
Genome position (GRCh38, 1-based): chr10:68,121,856, T>C. VCF-style: chr10-68121856-T-C. GRCh37 (hg19) VCF-style: chr10-69881613-T-C.
Other names: c.418T>C, p.Tyr140His (NM_001256267.2); c.-705T>C (NM_001256268.2); short protein forms Y140H.
Identifiers: ClinVar variation 1364400 (VCV001364400.8), dbSNP rs2133994804, ClinGen allele CA377104303.